The following is an entry in ClinVar:

ClinVar aggregate classification (germline): Benign (1 of 4 stars; one submission).

Allele frequency attached by ClinVar (database versions not stated): gnomAD 0.66071 and 0.65974; 1000 Genomes Project 30x 0.62149; 1000 Genomes Project 0.62121; TOPMed 0.66057.

Submission:

GeneDx
Classification: Benign. Last evaluated: 2018-06-14. Review status: criteria provided, single submitter. Criteria: GeneDx Variant Classification (06012015). Collection method: clinical testing. Allele origin: germline. Affected: yes.
Comment: This variant is considered likely benign or benign based on one or more of the following criteria: it is a conservative change, it occurs at a poorly conserved position in the protein, it is predicted to be benign by multiple in silico algorithms, and/or has population frequency not consistent with disease.

NM_001698.2(AUH):c.-243A>G

Gene: AUH (AU RNA binding methylglutaconyl-CoA hydratase; minus strand). Cytogenetic location: 9q22.31.
Variant type: single nucleotide variant.
Coding change: c.-243A>G on transcript NM_001698.2; 243 bases upstream of the start codon, A replaced by G.
Genome position (GRCh38, 1-based): chr9:91,362,132, T>C on the plus strand (A>G on the coding strand, the complement: AUH is on the minus strand). VCF-style: chr9-91362132-T-C. GRCh37 (hg19) VCF-style: chr9-94124414-T-C.
Identifiers: ClinVar variation 683351 (VCV000683351.3), dbSNP rs13289294, ClinGen allele CA13135193.
Genomic context (GRCh38, chr9:91,362,132, plus strand): 5'-TCTCCAAGCGAGATTGGATGGTTTGTCCAATACAAAAGGAAAGAAAGTAGTTTTCCAAGG[T>C]TATGGAATAATTCAGGGAAGACTTTTCTATAAGAACCACCCGGAGGGAATTATCTCCCCG-3'